The following is an entry in ClinVar:

NM_001142864.4(PIEZO1):c.5404-9G>A

Gene: PIEZO1 (piezo type mechanosensitive ion channel component 1 (Er blood group); minus strand). Cytogenetic location: 16q24.3.
Variant type: single nucleotide variant.
Coding change: c.5404-9G>A on transcript NM_001142864.4 (MANE Select); 9 bases into the intron before coding-DNA position 5404, G replaced by A.
Molecular consequence: intron variant.
Genome position (GRCh38, 1-based): chr16:88,721,439, C>T on the plus strand (G>A on the coding strand, the complement: PIEZO1 is on the minus strand). VCF-style: chr16-88721439-C-T. GRCh37 (hg19) VCF-style: chr16-88787847-C-T.
Identifiers: ClinVar variation 749315 (VCV000749315.7), dbSNP rs567631664, ClinGen allele CA8231879.

ClinVar aggregate classification (germline): Likely benign. Review status: criteria provided, multiple submitters, no conflicts (2 of 4 stars). 3 submissions from 3 submitters: Likely benign (2). 1 of the submissions does not count toward it. Last evaluated 2024-10-23.

Conditions:
PIEZO1-related disorder. Also called: PIEZO1-Related Disorders; PIEZO1-related condition.

Allele frequency attached by ClinVar (database versions not stated): gnomAD 0.00004 and 0.00005; gnomAD exomes 0.00005 and 0.00007; TOPMed 0.00003; 1000 Genomes Project 30x 0.00016; 1000 Genomes Project 0.00020; ExAC 0.00028.
gnomAD v4.1: 79 of 1,543,100 alleles (0.0051%); highest among the groups gnomAD compares: Middle Eastern, 0.034%; 1 homozygote.

Submissions (3):

Blueprint Genetics
Classification: Likely benign. Last evaluated: 2024-10-23. Review status: criteria provided, single submitter. Criteria: ACMG Guidelines, 2015. Collection method: clinical testing. Allele origin: germline.

Labcorp Genetics (formerly Invitae), Labcorp
Classification: Likely benign. Last evaluated: 2024-06-26. Review status: criteria provided, single submitter. Criteria: Invitae Variant Classification Sherloc (09022015). Collection method: clinical testing. Allele origin: germline.

PreventionGenetics, part of Exact Sciences
Classification: Likely benign for PIEZO1-related condition. Last evaluated: 2024-07-08. Review status: no assertion criteria provided. Collection method: clinical testing. Allele origin: germline. Not counted in ClinVar's aggregate classification.
Comment: This variant is classified as likely benign based on ACMG/AMP sequence variant interpretation guidelines (Richards et al. 2015 PMID: 25741868, with internal and published modifications).